The following is an entry in ClinVar:

NM_000194.3(HPRT1):c.161T>C (p.Met54Thr)

Gene: HPRT1 (hypoxanthine phosphoribosyltransferase 1; plus strand). Cytogenetic location: Xq26.2.
Variant type: single nucleotide variant.
Coding change: c.161T>C on transcript NM_000194.3 (MANE Select); coding-DNA position 161, T replaced by C.
Protein change: p.Met54Thr; replaces methionine 54 with threonine.
Molecular consequence: missense variant.
Genome position (GRCh38, 1-based): chrX:134,475,207, T>C. VCF-style: chrX-134475207-T-C. GRCh37 (hg19) VCF-style: chrX-133609237-T-C.
Other names: short protein forms M54T.
Identifiers: ClinVar variation 2950525 (VCV002950525.3), dbSNP rs2520785194, ClinGen allele CA414711928.

ClinVar aggregate classification (germline): Uncertain significance (1 of 4 stars; one submission).

Conditions:
Partial hypoxanthine-guanine phosphoribosyltransferase deficiency. Also called: Kelley-Seegmiller Syndrome; GOUT, HPRT-RELATED; HPRT DEFICIENCY, PARTIAL; HYPOXANTHINE GUANINE PHOSPHORIBOSYLTRANSFERASE 1 DEFICIENCY, PARTIAL; HPRT1 DEFICIENCY, PARTIAL. Identifiers: Orphanet 79233, MedGen C0268117, MONDO:0010299, OMIM 300323.
Lesch-Nyhan syndrome (LNS). Also called: HPRT DEFICIENCY, COMPLETE; Lesch-Nyhan Disease (LND). Identifiers: Orphanet 510, MedGen C0023374, MONDO:0010298, OMIM 300322.

Submission:

Labcorp Genetics (formerly Invitae), Labcorp
Classification: Uncertain significance for Lesch-Nyhan syndrome; Partial hypoxanthine-guanine phosphoribosyltransferase deficiency. Last evaluated: 2023-07-31. Review status: criteria provided, single submitter. Criteria: Invitae Variant Classification Sherloc (09022015). Collection method: clinical testing. Allele origin: germline.
Comment: This sequence change replaces methionine, which is neutral and non-polar, with threonine, which is neutral and polar, at codon 54 of the HPRT1 protein (p.Met54Thr). This variant is not present in population databases (gnomAD no frequency). This variant has not been reported in the literature in individuals affected with HPRT1-related conditions. An algorithm developed to predict the effect of missense changes on protein structure and function (PolyPhen-2) suggests that this variant is likely to be disruptive. In summary, the available evidence is currently insufficient to determine the role of this variant in disease. Therefore, it has been classified as a Variant of Uncertain Significance.